The following is an entry in ClinVar:

ClinVar aggregate classification (germline): Uncertain significance (1 of 4 stars; one submission).

Conditions:
Cardiovascular phenotype. Identifiers: MedGen CN230736.

Submission:

Ambry Genetics
Classification: Uncertain significance for Cardiovascular phenotype. Last evaluated: 2025-03-25. Review status: criteria provided, single submitter. Criteria: Ambry Variant Classification Scheme 2023. Collection method: clinical testing. Allele origin: germline.
Comment: The p.A468P variant (also known as c.1402G>C), located in coding exon 8 of the TBX1 gene, results from a G to C substitution at nucleotide position 1402. The alanine at codon 468 is replaced by proline, an amino acid with highly similar properties. This amino acid position is conserved. In addition, the in silico prediction for this alteration is inconclusive. Since supporting evidence is limited at this time, the clinical significance of this alteration remains unclear.

NM_001379200.1(TBX1):c.1429G>C (p.Ala477Pro)

Gene: TBX1 (T-box transcription factor 1; plus strand). Cytogenetic location: 22q11.21.
Variant type: single nucleotide variant.
Coding change: c.1429G>C on transcript NM_001379200.1 (MANE Select); coding-DNA position 1429, G replaced by C.
Protein change: p.Ala477Pro; replaces alanine 477 with proline.
Molecular consequence: missense variant. On other transcripts: intron variant (2).
Genome position (GRCh38, 1-based): chr22:19,766,781, G>C. VCF-style: chr22-19766781-G-C. GRCh37 (hg19) VCF-style: chr22-19754304-G-C.
Other names: c.1402G>C, p.Ala468Pro (NM_080647.1); c.1009+779G>C (NM_005992.1, NM_080646.2); short protein forms A477P, A468P.
Identifiers: ClinVar variation 1771847 (VCV001771847.3), dbSNP rs778718533, ClinGen allele CA410685462.